The following is an entry in ClinVar:

ClinVar aggregate classification (germline): Uncertain significance (1 of 4 stars; one submission).

Submission:

Labcorp Genetics (formerly Invitae), Labcorp
Classification: Uncertain significance. Last evaluated: 2022-08-14. Review status: criteria provided, single submitter. Criteria: Invitae Variant Classification Sherloc (09022015). Collection method: clinical testing. Allele origin: germline.
Comment: Algorithms developed to predict the effect of missense changes on protein structure and function (SIFT, PolyPhen-2, Align-GVGD) all suggest that this variant is likely to be tolerated. In summary, the available evidence is currently insufficient to determine the role of this variant in disease. Therefore, it has been classified as a Variant of Uncertain Significance. This variant has not been reported in the literature in individuals affected with DMXL2-related conditions. This sequence change replaces isoleucine, which is neutral and non-polar, with leucine, which is neutral and non-polar, at codon 37 of the DMXL2 protein (p.Ile37Leu). This variant is not present in population databases (gnomAD no frequency).

NM_001378457.1(DMXL2):c.109A>C (p.Ile37Leu)

Gene: DMXL2 (Dmx like 2; minus strand). Cytogenetic location: 15q21.2.
Variant type: single nucleotide variant.
Coding change: c.109A>C on transcript NM_001378457.1 (MANE Select); coding-DNA position 109, A replaced by C.
Protein change: p.Ile37Leu; replaces isoleucine 37 with leucine.
Molecular consequence: missense variant. On other transcripts: non-coding transcript variant (2).
Genome position (GRCh38, 1-based): chr15:51,576,160, T>G on the plus strand (A>C on the coding strand, the complement: DMXL2 is on the minus strand). VCF-style: chr15-51576160-T-G. GRCh37 (hg19) VCF-style: chr15-51868357-T-G.
Other names: c.109A>C, p.Ile37Leu (NM_001378459.1, NM_001378460.1, NM_001378461.1 and 7 more transcripts); short protein forms I37L.
Identifiers: ClinVar variation 1716444 (VCV001716444.5), dbSNP rs780563747, ClinGen allele CA392760118.